The following is an entry in ClinVar:

NM_198576.4(AGRN):c.5926G>A (p.Gly1976Ser)

Gene: AGRN (agrin; plus strand). Cytogenetic location: 1p36.33.
Variant type: single nucleotide variant.
Coding change: c.5926G>A on transcript NM_198576.4 (MANE Select); coding-DNA position 5926, G replaced by A.
Protein change: p.Gly1976Ser; replaces glycine 1976 with serine.
Molecular consequence: missense variant.
Genome position (GRCh38, 1-based): chr1:1,054,497, G>A. VCF-style: chr1-1054497-G-A. GRCh37 (hg19) VCF-style: chr1-989877-G-A.
Other names: c.5995G>A, p.Gly1999Ser (NM_001305275.2); c.5623G>A, p.Gly1875Ser (NM_001364727.2); c.5926G>A (NM_198576.3); short protein forms G1875S, G1976S, G1999S.
Identifiers: ClinVar variation 1062584 (VCV001062584.7), dbSNP rs781607506, ClinGen allele CA510280.

ClinVar aggregate classification (germline): Uncertain significance. Review status: criteria provided, multiple submitters, no conflicts (2 of 4 stars). 2 submissions from 2 submitters: Uncertain significance (2). Last evaluated 2025-07-15.

Conditions:
Congenital myasthenic syndrome 8. Also called: MYASTHENIC SYNDROME, CONGENITAL, DUE TO AGRIN DEFICIENCY; Myasthenic syndrome, congenital, 8, with pre- and postsynaptic defects. Identifiers: Orphanet 590, MedGen C3808739, MONDO:0014052, OMIM 615120.
Inborn genetic diseases. Identifiers: MedGen C0950123, MeSH D030342.

Allele frequency attached by ClinVar (database versions not stated): gnomAD exomes 0.00002; gnomAD 0.00003; ExAC 0.00006.
gnomAD v4.1: 47 of 1,603,488 alleles (0.0029%); highest among the groups gnomAD compares: Admixed American, 0.0085%; no homozygotes.

Submissions (2):

Ambry Genetics
Classification: Uncertain significance for Inborn genetic diseases. Last evaluated: 2025-07-15. Review status: criteria provided, single submitter. Criteria: Ambry Variant Classification Scheme 2023. Collection method: clinical testing. Allele origin: germline.

Labcorp Genetics (formerly Invitae), Labcorp
Classification: Uncertain significance for Congenital myasthenic syndrome 8. Last evaluated: 2022-07-18. Review status: criteria provided, single submitter. Criteria: Invitae Variant Classification Sherloc (09022015). Collection method: clinical testing. Allele origin: germline.
Comment: This sequence change replaces glycine, which is neutral and non-polar, with serine, which is neutral and polar, at codon 1976 of the AGRN protein (p.Gly1976Ser). The frequency data for this variant in the population databases is considered unreliable, as metrics indicate poor data quality at this position in the gnomAD database. This variant has not been reported in the literature in individuals affected with AGRN-related conditions. ClinVar contains an entry for this variant (Variation ID: 1062584). Algorithms developed to predict the effect of missense changes on protein structure and function are either unavailable or do not agree on the potential impact of this missense change (SIFT: "Deleterious"; PolyPhen-2: "Probably Damaging"; Align-GVGD: "Class C0"). Algorithms developed to predict the effect of sequence changes on RNA splicing suggest that this variant may create or strengthen a splice site. In summary, the available evidence is currently insufficient to determine the role of this variant in disease. Therefore, it has been classified as a Variant of Uncertain Significance.